The following is an entry in ClinVar:

ClinVar aggregate classification (germline): Likely benign. Review status: criteria provided, single submitter (1 of 4 stars). 2 submissions from 2 submitters: Likely benign (1). 1 of the submissions does not count toward it. Last evaluated 2025-11-08.

Conditions:
AP3D1-related disorder. Also called: AP3D1-related condition.

Allele frequency attached by ClinVar (database versions not stated): gnomAD exomes 0.00001 and 0.00002; ExAC 0.00002; ESP Exome Variant Server 0.00008; TOPMed 0.00015; gnomAD 0.00017 and 0.00018; 1000 Genomes Project 0.00020; 1000 Genomes Project 30x 0.00031.
gnomAD v4.1: 41 of 1,614,128 alleles (0.0025%); highest among the groups gnomAD compares: African/African-American, 0.045%; no homozygotes.

Submissions (2):

Labcorp Genetics (formerly Invitae), Labcorp
Classification: Likely benign. Last evaluated: 2025-11-08. Review status: criteria provided, single submitter. Criteria: Invitae Variant Classification Sherloc (09022015). Collection method: clinical testing. Allele origin: germline.

PreventionGenetics, part of Exact Sciences
Classification: Likely benign for AP3D1-related condition. Last evaluated: 2019-03-20. Review status: no assertion criteria provided. Collection method: clinical testing. Allele origin: germline. Not counted in ClinVar's aggregate classification.
Comment: This variant is classified as likely benign based on ACMG/AMP sequence variant interpretation guidelines (Richards et al. 2015 PMID: 25741868, with internal and published modifications).

NM_001261826.3(AP3D1):c.3615A>G (p.Leu1205=)

Gene: AP3D1 (adaptor related protein complex 3 subunit delta 1; minus strand). Cytogenetic location: 19p13.3.
Variant type: single nucleotide variant.
Coding change: c.3615A>G on transcript NM_001261826.3 (MANE Select); coding-DNA position 3615, A replaced by G.
Protein change: p.Leu1205=; no amino-acid change (leucine 1205 retained).
Molecular consequence: synonymous variant.
Genome position (GRCh38, 1-based): chr19:2,102,206, T>C on the plus strand (A>G on the coding strand, the complement: AP3D1 is on the minus strand). VCF-style: chr19-2102206-T-C. GRCh37 (hg19) VCF-style: chr19-2102205-T-C.
Other names: c.3579A>G, p.Leu1193= (NM_001374799.1); c.3429A>G, p.Leu1143= (NM_003938.8); c.3615A>G (NM_001261826.1).
Identifiers: ClinVar variation 1563317 (VCV001563317.11), dbSNP rs369183606, ClinGen allele CA9058305.